The following is an entry in ClinVar:

ClinVar aggregate classification (germline): Uncertain significance. Review status: criteria provided, multiple submitters, no conflicts (2 of 4 stars). 4 submissions from 4 submitters: Uncertain significance (4). Last evaluated 2025-09-10.

Conditions:
Dilated cardiomyopathy 1G (CMD1G). Identifiers: Orphanet 154, MedGen C1858763, MONDO:0011400, OMIM 604145.
Autosomal recessive limb-girdle muscular dystrophy type 2J (LGMDR10). Also called: Limb-girdle muscular dystrophy, type 2J; MUSCULAR DYSTROPHY, LIMB-GIRDLE, AUTOSOMAL RECESSIVE 10. Identifiers: Orphanet 140922, MedGen C1837342, MONDO:0012127, OMIM 608807.
Primary dilated cardiomyopathy (DCM). Also called: Dilated Cardiomyopathy. Identifiers: Orphanet 217604, MedGen C0007193, MeSH D002311, MONDO:0005021, HP:0001644. Inheritance: Various modes of inheritance.
Cardiovascular phenotype. Identifiers: MedGen CN230736.

Allele frequency attached by ClinVar (database versions not stated): gnomAD 0.00001; gnomAD exomes 0.00001 and 0.00002; TOPMed 0.00002.
gnomAD v4.1: 29 of 1,607,900 alleles (0.0018%); highest among the groups gnomAD compares: Non-Finnish European, 0.0025%; no homozygotes.

Submissions (4):

Labcorp Genetics (formerly Invitae), Labcorp
Classification: Uncertain significance for Dilated cardiomyopathy 1G; Autosomal recessive limb-girdle muscular dystrophy type 2J. Last evaluated: 2025-09-10. Review status: criteria provided, single submitter. Criteria: Invitae Variant Classification Sherloc (09022015). Collection method: clinical testing. Allele origin: germline.
Comment: This sequence change falls in intron 294 of the TTN gene. It does not directly change the encoded amino acid sequence of the TTN protein. It affects a nucleotide within the consensus splice site. This variant is present in population databases (no rsID available, gnomAD 0.002%). This variant has been observed in individual(s) with dilated cardiomyopathy (PMID: 25589632). ClinVar contains an entry for this variant (Variation ID: 223286). Variants that disrupt the consensus splice site are a relatively common cause of aberrant splicing (PMID: 17576681, 9536098). Algorithms developed to predict the effect of sequence changes on RNA splicing suggest that this variant is not likely to affect RNA splicing. This variant is located in the A band of TTN (PMID: 25589632). Variants in this region may be relevant for cardiac or neuromuscular disorders (PMID: 25589632, 23975875). In summary, the available evidence is currently insufficient to determine the role of this variant in disease. Therefore, it has been classified as a Variant of Uncertain Significance.

Ambry Genetics
Classification: Uncertain significance for Cardiovascular phenotype. Last evaluated: 2025-07-11. Review status: criteria provided, single submitter. Criteria: Ambry Variant Classification Scheme 2023. Collection method: clinical testing. Allele origin: germline.
Comment: The c.30349+4A>G intronic variant results from an A to G substitution 4 nucleotides after coding exon 121 in the TTN gene. This variant has been reported, as NM_001267550.1:c.57544+4A>G, in a dilated cardiomyopathy (DCM) cohort (Roberts AM et al. Sci Transl Med, 2015 Jan;7:270ra6). This nucleotide position is highly conserved in available vertebrate species. In silico splice site analysis predicts that this alteration will not have any significant effect on splicing. Based on the available evidence, the clinical significance of this variant remains unclear.

GeneDx
Classification: Uncertain significance. Last evaluated: 2023-02-24. Review status: criteria provided, single submitter. Criteria: GeneDx Variant Classification Process June 2021. Collection method: clinical testing. Allele origin: germline. Affected: yes.
Comment: Reported in a patient with dilated cardiomyopathy (DCM) in published literature (Roberts et al., 2015); Not observed at significant frequency in large population cohorts (gnomAD); In silico analysis supports that this variant does not alter splicing; Located in the A-band region of TTN in which the majority of loss of function variants have been associated with autosomal dominant titinopathies (Herman et al., 2012); This variant is associated with the following publications: (PMID: 25589632, 26777568)

Cardiovascular Biomedical Research Unit, Royal Brompton & Harefield NHS Foundation Trust
Classification: Uncertain significance for Primary dilated cardiomyopathy. Last evaluated: 2014-10-08. Review status: criteria provided, single submitter. Criteria: Roberts et al. 2015. Collection method: research. Allele origin: germline. Inheritance: Autosomal dominant inheritance. Affected: yes. Observed: 1 variant allele. Study: Unselected DCM.
Comment: In the seven cohorts assessed, TTNtv were found in 14% of ambulant DCM, 22% end-stage or familial DCM, and 2% controls. Heterozygous nonsense, frameshift and canonical splice-disrupting variants found in constitutive and other highly utilised exons are highly likely to be pathogenic when identified in individuals with phenotypically confirmed DCM. TTNtv found incidentally in healthy individuals (excluding familial assessment of DCM relatives) are thought to have low penetrance, particularly when identified in exons that are not constitutively expressed in the heart.

Literature cited by the submitters: PubMed 25589632 (cited by Labcorp Genetics (formerly Invitae), Labcorp and Ambry Genetics); PubMed 17576681 (cited by Labcorp Genetics (formerly Invitae), Labcorp); PubMed 9536098 (cited by Labcorp Genetics (formerly Invitae), Labcorp); PubMed 23975875 (cited by Labcorp Genetics (formerly Invitae), Labcorp).

NM_001267550.2(TTN):c.57544+4A>G

Genes: TTN-AS1 (TTN antisense RNA 1; plus strand), TTN (titin; minus strand). Cytogenetic location: 2q31.2.
Variant type: single nucleotide variant.
Coding change: c.57544+4A>G on transcript NM_001267550.2 (MANE Select); 4 bases into the intron after coding-DNA position 57544, A replaced by G.
Molecular consequence: intron variant.
Genome position (GRCh38, 1-based): chr2:178,597,534, T>C on the plus strand (A>G on the coding strand, the complement: TTN is on the minus strand). VCF-style: chr2-178597534-T-C. GRCh37 (hg19) VCF-style: chr2-179462261-T-C.
Other names: c.57544+4A>G (LRG_391t1); c.30349+4A>G (NM_003319.4); c.30925+4A>G (NM_133437.4); c.30724+4A>G (NM_133432.3); c.49840+4A>G (NM_133378.4); c.52621+4A>G (NM_001256850.1).
Identifiers: ClinVar variation 223286 (VCV000223286.13), dbSNP rs869312053, ClinGen allele CA353305.